The following is an entry in ClinVar:

ClinVar aggregate classification (germline): Conflicting classifications of pathogenicity. Review status: criteria provided, conflicting classifications (1 of 4 stars). 2 submissions from 2 submitters: Uncertain significance (1); Likely benign (1). Last evaluated 2025-10-13.

gnomAD v4.1: 123 of 1,613,936 alleles (0.0076%); highest among the groups gnomAD compares: Non-Finnish European, 0.0091%; no homozygotes.

Submissions (2):

Labcorp Genetics (formerly Invitae), Labcorp
Classification: Uncertain significance. Last evaluated: 2025-10-13. Review status: criteria provided, single submitter. Criteria: Invitae Variant Classification Sherloc (09022015). Collection method: clinical testing. Allele origin: germline.
Comment: This sequence change replaces proline, which is neutral and non-polar, with alanine, which is neutral and non-polar, at codon 118 of the CREB3L3 protein (p.Pro118Ala). This variant is present in population databases (rs77528283, gnomAD 0.01%). This missense change has been observed in individual(s) with dyslipidemia (PMID: 3111339). ClinVar contains an entry for this variant (Variation ID: 2063424). Invitae Evidence Modeling of protein sequence and biophysical properties (such as structural, functional, and spatial information, amino acid conservation, physicochemical variation, residue mobility, and thermodynamic stability) indicates that this missense variant is not expected to disrupt CREB3L3 protein function with a negative predictive value of 80%. In summary, the available evidence is currently insufficient to determine the role of this variant in disease. Therefore, it has been classified as a Variant of Uncertain Significance.

Blueprint Genetics
Classification: Likely benign. Last evaluated: 2024-09-20. Review status: criteria provided, single submitter. Criteria: ACMG Guidelines, 2015. Collection method: clinical testing. Allele origin: germline.

Literature cited by the submitters: PubMed 3111339 (cited by Labcorp Genetics (formerly Invitae), Labcorp).

NM_032607.3(CREB3L3):c.352C>G (p.Pro118Ala)

Gene: CREB3L3 (cAMP responsive element binding protein 3 like 3; plus strand). Cytogenetic location: 19p13.3.
Variant type: single nucleotide variant.
Coding change: c.352C>G on transcript NM_032607.3 (MANE Select); coding-DNA position 352, C replaced by G.
Protein change: p.Pro118Ala; replaces proline 118 with alanine.
Molecular consequence: missense variant.
Genome position (GRCh38, 1-based): chr19:4,157,190, C>G. VCF-style: chr19-4157190-C-G. GRCh37 (hg19) VCF-style: chr19-4157187-C-G.
Other names: c.349C>G, p.Pro117Ala (NM_001271995.2); c.352C>G, p.Pro118Ala (NM_001271996.2, NM_001271997.2); short protein forms P117A, P118A.
Identifiers: ClinVar variation 2063424 (VCV002063424.5), dbSNP rs77528283, ClinGen allele CA9091281.